The following is an entry in ClinVar:

NM_001278512.2(AP3B2):c.2241G>T (p.Glu747Asp)

Genes: AP3B2 (adaptor related protein complex 3 subunit beta 2; minus strand), CPEB1-AS1 (CPEB1 antisense RNA 1; plus strand). Cytogenetic location: 15q25.2.
Variant type: single nucleotide variant.
Coding change: c.2241G>T on transcript NM_001278512.2 (MANE Select); coding-DNA position 2241, G replaced by T.
Protein change: p.Glu747Asp; replaces glutamic acid 747 with aspartic acid.
Molecular consequence: missense variant.
Genome position (GRCh38, 1-based): chr15:82,664,387, C>A on the plus strand (G>T on the coding strand, the complement: AP3B2 is on the minus strand). VCF-style: chr15-82664387-C-A. GRCh37 (hg19) VCF-style: chr15-83333139-C-A.
Other names: c.2088G>T, p.Glu696Asp (NM_001278511.2); c.2184G>T, p.Glu728Asp (NM_004644.5); short protein forms E696D, E728D, E747D.
Identifiers: ClinVar variation 1311188 (VCV001311188.2), dbSNP rs1289939933, ClinGen allele CA393311833.

ClinVar aggregate classification (germline): Uncertain significance (1 of 4 stars; one submission).

Submission:

GeneDx
Classification: Uncertain significance. Last evaluated: 2020-02-25. Review status: criteria provided, single submitter. Criteria: GeneDx Variant Classification Process June 2021. Collection method: clinical testing. Allele origin: germline. Affected: yes.
Comment: Not observed in large population cohorts (Lek et al., 2016); In silico analysis supports that this missense variant does not alter protein structure/function; Has not been previously published as pathogenic or benign to our knowledge